The following is an entry in ClinVar:

NM_001371727.1(GABRB2):c.577C>T (p.Arg193Cys)

Gene: GABRB2 (gamma-aminobutyric acid type A receptor subunit beta2; minus strand). Cytogenetic location: 5q34.
Variant type: single nucleotide variant.
Coding change: c.577C>T on transcript NM_001371727.1 (MANE Select); coding-DNA position 577, C replaced by T.
Protein change: p.Arg193Cys; replaces arginine 193 with cysteine.
Molecular consequence: missense variant.
Genome position (GRCh38, 1-based): chr5:161,336,734, G>A on the plus strand (C>T on the coding strand, the complement: GABRB2 is on the minus strand). VCF-style: chr5-161336734-G-A. GRCh37 (hg19) VCF-style: chr5-160763741-G-A.
Other names: c.577C>T, p.Arg193Cys (NM_000813.3, NM_021911.3); short protein forms R193C.
Identifiers: ClinVar variation 161752 (VCV000161752.9), dbSNP rs193920932, ClinGen allele CA174721.

ClinVar aggregate classification (germline): Uncertain significance. Review status: criteria provided, multiple submitters, no conflicts (2 of 4 stars). 3 submissions from 3 submitters: Uncertain significance (2). 1 of the submissions does not count toward it. Last evaluated 2024-11-11.

Conditions:
Prostate cancer. Also called: Malignant tumor of prostate. Identifiers: Orphanet 1331, MedGen C0376358, MONDO:0008315, HP:0012125.
Intellectual disability. Also called: Intellectual functioning disability; intellectual disabilities; Intellectual developmental disorder. Identifiers: MedGen C3714756, MeSH D008607, MONDO:0001071, HP:0001249.

Allele frequency attached by ClinVar (database versions not stated): gnomAD 0.00001; gnomAD exomes 0.00001; TOPMed below 0.00001.

Submissions (3):

Labcorp Genetics (formerly Invitae), Labcorp
Classification: Uncertain significance for Intellectual disability. Last evaluated: 2024-11-11. Review status: criteria provided, single submitter. Criteria: Invitae Variant Classification Sherloc (09022015). Collection method: clinical testing. Allele origin: germline.
Comment: This sequence change replaces arginine, which is basic and polar, with cysteine, which is neutral and slightly polar, at codon 193 of the GABRB2 protein (p.Arg193Cys). This variant is not present in population databases (gnomAD no frequency). This variant has not been reported in the literature in individuals affected with GABRB2-related conditions. ClinVar contains an entry for this variant (Variation ID: 161752). Invitae Evidence Modeling of protein sequence and biophysical properties (such as structural, functional, and spatial information, amino acid conservation, physicochemical variation, residue mobility, and thermodynamic stability) has been performed for this missense variant. However, the output from this modeling did not meet the statistical confidence thresholds required to predict the impact of this variant on GABRB2 protein function. In summary, the available evidence is currently insufficient to determine the role of this variant in disease. Therefore, it has been classified as a Variant of Uncertain Significance.

Laboratorio de Genetica e Diagnostico Molecular, Hospital Israelita Albert Einstein
Classification: Uncertain significance. Last evaluated: 2022-03-08. Review status: criteria provided, single submitter. Criteria: ACMG Guidelines, 2015. Collection method: clinical testing. Allele origin: germline. Affected: yes.
Comment: ACMG classification criteria: PM2, PP3

Science for Life laboratory,  Karolinska Institutet
Classification: Uncertain significance for Malignant tumor of prostate. Review status: no assertion criteria provided. Collection method: not provided. Allele origin: somatic. Not counted in ClinVar's aggregate classification.
Comment: TumorID:SWE-19
ClinVar note: Converted during submission from Unknown to Uncertain significance.